The following is an entry in ClinVar:

NM_000321.3(RB1):c.1217A>T (p.Asn406Ile)

Gene: RB1 (RB transcriptional corepressor 1; plus strand). Cytogenetic location: 13q14.2.
Variant type: single nucleotide variant.
Coding change: c.1217A>T on transcript NM_000321.3 (MANE Select); coding-DNA position 1217, A replaced by T.
Protein change: p.Asn406Ile; replaces asparagine 406 with isoleucine.
Molecular consequence: missense variant.
Genome position (GRCh38, 1-based): chr13:48,376,919, A>T. VCF-style: chr13-48376919-A-T. GRCh37 (hg19) VCF-style: chr13-48951055-A-T.
Other names: c.1217A>T, p.Asn406Ile (NM_001407165.1, NM_001407166.1); short protein forms N406I.
Identifiers: ClinVar variation 4757234 (VCV004757234.1).

ClinVar aggregate classification (germline): Uncertain significance (1 of 4 stars; one submission).

Conditions:
Retinoblastoma (RB1). Also called: RETINOBLASTOMA, SOMATIC. Identifiers: Orphanet 790, MedGen C0035335, MeSH D012175, MONDO:0008380, OMIM 180200, HP:0009919. Disease mechanism: loss of function. Inheritance: Both sporadic and heritable forms are tested..

Submission:

Color Diagnostics, LLC DBA Color Health
Classification: Uncertain significance for Retinoblastoma. Last evaluated: 2025-06-23. Review status: criteria provided, single submitter. Criteria: ACMG Guidelines, 2015. Collection method: clinical testing. Allele origin: germline.
Comment: This missense variant replaces asparagine with isoleucine at codon 406 of the RB1 protein. Computational prediction suggests that this variant may have deleterious impact on protein structure and function. To our knowledge, functional studies have not been reported for this variant. This variant has not been reported in individuals affected with RB1-related disorders in the literature. This variant has not been identified in the general population by the Genome Aggregation Database (gnomAD). The available evidence is insufficient to determine the role of this variant in disease conclusively. Therefore, this variant is classified as a Variant of Uncertain Significance.